The following is an entry in ClinVar:

NM_152594.3(SPRED1):c.944C>T (p.Pro315Leu)

Gene: SPRED1 (sprouty related EVH1 domain containing 1; plus strand). Cytogenetic location: 15q14.
Variant type: single nucleotide variant.
Coding change: c.944C>T on transcript NM_152594.3 (MANE Select); coding-DNA position 944, C replaced by T.
Protein change: p.Pro315Leu; replaces proline 315 with leucine.
Molecular consequence: missense variant.
Genome position (GRCh38, 1-based): chr15:38,351,273, C>T. VCF-style: chr15-38351273-C-T. GRCh37 (hg19) VCF-style: chr15-38643474-C-T.
Other names: short protein forms P315L.
Identifiers: ClinVar variation 468801 (VCV000468801.20), dbSNP rs115440602, ClinGen allele CA7470209.

ClinVar aggregate classification (germline): Conflicting classifications of pathogenicity. Review status: criteria provided, conflicting classifications (1 of 4 stars). 5 submissions from 5 submitters: Uncertain significance (3); Likely benign (2). Last evaluated 2026-01-11.

Conditions:
SPRED1-related disorder. Also called: SPRED1-related condition.
Cardiovascular phenotype. Identifiers: MedGen CN230736.
Legius syndrome. Identifiers: Orphanet 137605, MedGen C1969623, MONDO:0012669, OMIM 611431. Disease mechanism: loss of function.

Allele frequency attached by ClinVar (database versions not stated): gnomAD exomes 0.00001 and 0.00009; ExAC 0.00013; 1000 Genomes Project 0.00020; TOPMed 0.00023; gnomAD 0.00026 and 0.00029; 1000 Genomes Project 30x 0.00031; ESP Exome Variant Server 0.00054.
gnomAD v4.1: 57 of 1,614,060 alleles (0.0035%); highest among the groups gnomAD compares: African/African-American, 0.076%; no homozygotes.

Submissions (5):

Labcorp Genetics (formerly Invitae), Labcorp
Classification: Likely benign for Legius syndrome. Last evaluated: 2026-01-11. Review status: criteria provided, single submitter. Criteria: Invitae Variant Classification Sherloc (09022015). Collection method: clinical testing. Allele origin: germline.

PreventionGenetics, part of Exact Sciences
Classification: Likely benign for SPRED1-related condition. Last evaluated: 2025-06-16. Review status: criteria provided, single submitter. Criteria: ACMG Guidelines, 2015. Collection method: clinical testing. Allele origin: germline.
Comment: This variant is classified as likely benign based on ACMG/AMP sequence variant interpretation guidelines (Richards et al. 2015 PMID: 25741868, with internal and published modifications).

GeneDx
Classification: Uncertain significance. Last evaluated: 2024-06-16. Review status: criteria provided, single submitter. Criteria: GeneDx Variant Classification Process June 2021. Collection method: clinical testing. Allele origin: germline. Affected: yes.
Comment: Identified in a patient and sibling with cafe-au-lait macules and freckling; however, a large deletion of the NF1 gene was also identified (PMID: 31443423); In silico analysis supports that this missense variant has a deleterious effect on protein structure/function; This variant is associated with the following publications: (PMID: 22753041, 31443423)

Ambry Genetics
Classification: Uncertain significance for Cardiovascular phenotype. Last evaluated: 2021-08-23. Review status: criteria provided, single submitter. Criteria: Ambry Variant Classification Scheme 2023. Collection method: clinical testing. Allele origin: germline.

Illumina Laboratory Services, Illumina
Classification: Uncertain significance for Legius syndrome. Last evaluated: 2017-10-13. Review status: criteria provided, single submitter. Criteria: ICSL Variant Classification Criteria 13 December 2019. Collection method: clinical testing. Allele origin: germline.
Comment: This variant was observed as part of a predisposition screen in an ostensibly healthy population. A literature search was performed for the gene, cDNA change, and amino acid change (where applicable). Publications were found based on this search. However, the evidence from the literature, in combination with allele frequency data from public databases where available, was not sufficient to rule this variant in or out of causing disease. Therefore, this variant is classified as a variant of unknown significance.

Literature cited by the submitters: PubMed 31443423 (cited by Ambry Genetics); PubMed 22753041 (cited by Illumina Laboratory Services, Illumina).